The following is an entry in ClinVar:

NM_001304359.2(MUC5AC):c.14295G>A (p.Val4765=)

Gene: MUC5AC (mucin 5AC, oligomeric mucus/gel-forming; plus strand). Cytogenetic location: 11p15.5.
Variant type: single nucleotide variant.
Coding change: c.14295G>A on transcript NM_001304359.2 (MANE Select); coding-DNA position 14295, G replaced by A.
Protein change: p.Val4765=; no amino-acid change (valine 4765 retained).
Molecular consequence: synonymous variant.
Genome position (GRCh38, 1-based): chr11:1,192,440, G>A. VCF-style: chr11-1192440-G-A. GRCh37 (hg19) VCF-style: chr11-1213665-G-A.
Identifiers: ClinVar variation 2641176 (VCV002641176.24), dbSNP rs72846343, ClinGen allele CA5802735.

ClinVar aggregate classification (germline): Likely benign (1 of 4 stars; one submission).

Allele frequency attached by ClinVar (database versions not stated): 1000 Genomes Project 0.00300; gnomAD 0.00629; ExAC 0.00655; gnomAD exomes 0.00752; ESP Exome Variant Server 0.00593; TOPMed 0.00594.

Submission:

CeGaT Center for Human Genetics Tuebingen
Classification: Likely benign. Last evaluated: 2023-08-01. Review status: criteria provided, single submitter. Criteria: CeGaT Center For Human Genetics Tuebingen Variant Classification Criteria Version 2. Collection method: clinical testing. Allele origin: germline. Affected: yes. Observed: 2 variant alleles.
Comment: MUC5AC: BP4, BP7, BS2